The following is an entry in ClinVar:

ClinVar aggregate classification (germline): Benign/Likely benign. Review status: criteria provided, single submitter (1 of 4 stars). 3 submissions from 1 submitter: Benign (2); Likely benign (1). Last evaluated 2018-01-12.

Conditions:
Myhre syndrome (MYHRS). Also called: LARYNGOTRACHEAL STENOSIS, ARTHROPATHY, PROGNATHISM, AND SHORT STATURE; LAPS SYNDROME. Identifiers: Orphanet 2588, MedGen C0796081, MONDO:0007688, OMIM 139210.
Juvenile polyposis/hereditary hemorrhagic telangiectasia syndrome (JPHT). Also called: JP/HHT SYNDROME; JUVENILE POLYPOSIS WITH HEREDITARY HEMORRHAGIC TELANGIECTASIA; POLYPOSIS, GENERALIZED JUVENILE, WITH PULMONARY ARTERIOVENOUS MALFORMATION; TELANGIECTASIA, HEREDITARY HEMORRHAGIC, WITH JUVENILE POLYPOSIS COLI; Juvenile Polyposis Syndrome / Hereditary Hemorrhagic Telangiectasia (JPS/HHT). Identifiers: Orphanet 2929, MedGen C1832942, MONDO:0008278, OMIM 175050.
Generalized juvenile polyposis/juvenile polyposis coli. Also called: Juvenile polyposis coli. Identifiers: Orphanet 329971, MedGen C1868081, MONDO:0008276.

Allele frequency attached by ClinVar (database versions not stated): gnomAD exomes 0.00019; 1000 Genomes Project 30x 0.00156; 1000 Genomes Project 0.00160; TOPMed 0.00173; gnomAD 0.00175.
gnomAD v4.1: 284 of 227,244 alleles (0.12%); highest among the groups gnomAD compares: African/African-American, 0.61%; 1 homozygote.

Submissions (3):

Illumina Laboratory Services, Illumina
Classification: Benign for Juvenile polyposis syndrome. Last evaluated: 2018-01-12. Review status: criteria provided, single submitter. Criteria: ICSL Variant Classification Criteria 13 December 2019. Collection method: clinical testing. Allele origin: germline.
Comment: This variant was observed in the ICSL laboratory as part of a predisposition screen in an ostensibly healthy population. It had not been previously curated by ICSL or reported in the Human Gene Mutation Database (HGMD: prior to June 1st, 2018), and was therefore a candidate for classification through an automated scoring system. Utilizing variant allele frequency, disease prevalence and penetrance estimates, and inheritance mode, an automated score was calculated to assess if this variant is too frequent to cause the disease. Based on the score and internal cut-off values, a variant classified as benign is not then subjected to further curation. The score for this variant resulted in a classification of benign for this disease.

Illumina Laboratory Services, Illumina
Classification: Benign for Myhre syndrome. Last evaluated: 2018-01-12. Review status: criteria provided, single submitter. Criteria: ICSL Variant Classification Criteria 13 December 2019. Collection method: clinical testing. Allele origin: germline.
Comment: the same text as in the submission from Illumina Laboratory Services, Illumina above.

Illumina Laboratory Services, Illumina
Classification: Likely benign for Juvenile polyposis/hereditary hemorrhagic telangiectasia syndrome. Last evaluated: 2018-01-12. Review status: criteria provided, single submitter. Criteria: ICSL Variant Classification Criteria 13 December 2019. Collection method: clinical testing. Allele origin: germline.
Comment: This variant was observed in the ICSL laboratory as part of a predisposition screen in an ostensibly healthy population. It had not been previously curated by ICSL or reported in the Human Gene Mutation Database (HGMD: prior to June 1st, 2018), and was therefore a candidate for classification through an automated scoring system. Utilizing variant allele frequency, disease prevalence and penetrance estimates, and inheritance mode, an automated score was calculated to assess if this variant is too frequent to cause the disease. Based on the score and internal cut-off values, a variant classified as likely benign is not then subjected to further curation. The score for this variant resulted in a classification of likely benign for this disease.

NM_005359.6(SMAD4):c.*4748C>T

Gene: SMAD4 (SMAD family member 4; plus strand). Cytogenetic location: 18q21.2.
Variant type: single nucleotide variant.
Coding change: c.*4748C>T on transcript NM_005359.6 (MANE Select); 4748 bases downstream of the stop codon, C replaced by T.
Molecular consequence: 3 prime UTR variant.
Genome position (GRCh38, 1-based): chr18:51,083,215, C>T. VCF-style: chr18-51083215-C-T. GRCh37 (hg19) VCF-style: chr18-48609585-C-T.
Identifiers: ClinVar variation 327166 (VCV000327166.5), dbSNP rs375580807, ClinGen allele CA10650979.